The following is an entry in ClinVar:

NM_014625.4(NPHS2):c.104dup (p.Arg36fs)

Gene: NPHS2 (NPHS2 stomatin family member, podocin; minus strand). Cytogenetic location: 1q25.2.
Variant type: Duplication.
Coding change: c.104dup on transcript NM_014625.4 (MANE Select); coding-DNA position 104, one base duplicated (G; older notation c.104dupG).
Protein change: p.Arg36fs; shifts the reading frame from arginine 36.
Molecular consequence: frameshift variant.
Genome position (GRCh38, 1-based): chr1:179,575,761, C duplicated on the plus strand (G on the coding strand, the reverse complement: NPHS2 is on the minus strand); the first of 2 consecutive C bases (chr1:179,575,761-179,575,762); duplicating either gives the same sequence. VCF-style (leftmost placement, unchanged base first): chr1-179575760-G-GC. GRCh37 (hg19) VCF-style: chr1-179544895-G-GC.
Other names: c.104dup, p.Arg36fs (NM_001297575.2); c.104dupG (NM_014625.3); short protein forms R36fs.
Identifiers: ClinVar variation 447876 (VCV000447876.12), dbSNP rs1320543506, ClinGen allele CA527598244.

ClinVar aggregate classification (germline): Pathogenic. Review status: criteria provided, multiple submitters, no conflicts (2 of 4 stars). 6 submissions from 6 submitters: Pathogenic (5). 1 of the submissions does not count toward it. Last evaluated 2024-03-08.

Conditions:
Nephrotic syndrome, type 2 (NPHS2). Also called: NEPHROTIC SYNDROME, STEROID-RESISTANT, AUTOSOMAL RECESSIVE. Identifiers: Orphanet 656, MedGen C1868672, MONDO:0010974, OMIM 600995.
Steroid-resistant nephrotic syndrome. Identifiers: MedGen C0403397, MONDO:0044765, HP:0012588.

Submissions (6):

Natera, Inc.
Classification: Pathogenic for Steroid-resistant nephrotic syndrome. Last evaluated: 2024-03-08. Review status: criteria provided, single submitter. Criteria: Natera Variant Classification Schema (03/2026). Collection method: clinical testing. Allele origin: germline.
Comment: The c.104dupG variant in NPHS2 is a frameshift variant predicted to shift the reading frame beginning at codon 36 and leads to a stop codon 34 codons downstream. This variant is expected to result in nonsense mediated decay, truncation, or a dysfunctional protein product. This variant is rare in the general population with a frequency below the threshold expected for the associated phenotype(s). This variant has been observed in one or more individuals affected with the associated recessive disease, as either homozygous or compound heterozygous with a second variant (PMID: 14978175, 11729243). Given the available evidence, this variant is classified as Pathogenic.

Labcorp Genetics (formerly Invitae), Labcorp
Classification: Pathogenic. Last evaluated: 2023-10-13. Review status: criteria provided, single submitter. Criteria: Invitae Variant Classification Sherloc (09022015). Collection method: clinical testing. Allele origin: germline.
Comment: This sequence change creates a premature translational stop signal (p.Arg36Profs*34) in the NPHS2 gene. It is expected to result in an absent or disrupted protein product. Loss-of-function variants in NPHS2 are known to be pathogenic (PMID: 10742096, 14701729, 15253708, 23595123). This variant is present in population databases (no rsID available, gnomAD 0.006%). This premature translational stop signal has been observed in individual(s) with nephrotic syndrome (PMID: 10742096). ClinVar contains an entry for this variant (Variation ID: 447876). For these reasons, this variant has been classified as Pathogenic.

Genome-Nilou Lab
Classification: Pathogenic for Nephrotic syndrome, type 2. Last evaluated: 2023-04-11. Review status: criteria provided, single submitter. Criteria: ACMG Guidelines, 2015. Collection method: clinical testing. Allele origin: germline. Affected: no.

Women's Health and Genetics/Laboratory Corporation of America, LabCorp
Classification: Pathogenic for Idiopathic nephrotic syndrome. Last evaluated: 2021-09-12. Review status: criteria provided, single submitter. Criteria: LabCorp Variant Classification Summary - May 2015. Collection method: clinical testing. Allele origin: germline.
Comment: Variant summary: NPHS2 c.104dupG (p.Arg36ProfsX34) results in a premature termination codon, predicted to cause a truncation of the encoded protein or absence of the protein due to nonsense mediated decay, which are commonly known mechanisms for disease. Truncations downstream of this position have been classified as pathogenic by our laboratory. The variant was absent in 90220 control chromosomes. c.104dupG has been reported in the literature in individuals affected with Nephrotic Syndrome, Type 2 (example, Boute_2000, Machuca_2010, Giglio_2015). To our knowledge, no experimental evidence demonstrating an impact on protein function has been reported. No clinical diagnostic laboratories have submitted clinical-significance assessments for this variant to ClinVar after 2014. Based on the evidence outlined above, the variant was classified as pathogenic.

Athena Diagnostics
Classification: Pathogenic. Last evaluated: 2014-09-11. Review status: criteria provided, single submitter. Criteria: Athena Diagnostics Criteria. Collection method: clinical testing. Allele origin: germline.

OMIM
Classification: Pathogenic for NEPHROTIC SYNDROME, TYPE 2. Last evaluated: 2000-04-01. Review status: no assertion criteria provided. Collection method: literature only. Allele origin: germline. Not counted in ClinVar's aggregate classification.

Literature cited by the submitters: PubMed 14978175 (cited by Natera, Inc.); PubMed 11729243 (cited by Natera, Inc.); PubMed 10742096 (cited by 4 submitters); PubMed 14701729 (cited by Labcorp Genetics (formerly Invitae), Labcorp); PubMed 15253708 (cited by Labcorp Genetics (formerly Invitae), Labcorp); PubMed 23595123 (cited by Labcorp Genetics (formerly Invitae), Labcorp); PubMed 20507940 (cited by Women's Health and Genetics/Laboratory Corporation of America, LabCorp); PubMed 25060053 (cited by Women's Health and Genetics/Laboratory Corporation of America, LabCorp); PubMed 24856380 (cited by Athena Diagnostics).